The following is an entry in ClinVar:

ClinVar aggregate classification (germline): Uncertain significance (1 of 4 stars; one submission).

Conditions:
Intellectual developmental disorder, X-linked 19. Also called: Intellectual disability, X-linked 19. Identifiers: Orphanet 777, MedGen C0796225, MONDO:0010447, OMIM 300844.
Coffin-Lowry syndrome (CLS). Also called: COFFIN-LOWRY SYNDROME, MILD; Mental retardation with osteocartilaginous abnormalities. Identifiers: Orphanet 192, MedGen C0265252, MONDO:0010561, OMIM 303600.

Submission:

Labcorp Genetics (formerly Invitae), Labcorp
Classification: Uncertain significance for Coffin-Lowry syndrome; Intellectual developmental disorder, X-linked 19. Last evaluated: 2023-06-22. Review status: criteria provided, single submitter. Criteria: Invitae Variant Classification Sherloc (09022015). Collection method: clinical testing. Allele origin: germline.
Comment: In summary, the available evidence is currently insufficient to determine the role of this variant in disease. Therefore, it has been classified as a Variant of Uncertain Significance. This sequence change replaces valine, which is neutral and non-polar, with isoleucine, which is neutral and non-polar, at codon 699 of the RPS6KA3 protein (p.Val699Ile). This variant is not present in population databases (gnomAD no frequency). This variant has not been reported in the literature in individuals affected with RPS6KA3-related conditions. An algorithm developed to predict the effect of missense changes on protein structure and function (PolyPhen-2) suggests that this variant is likely to be tolerated.

NM_004586.3(RPS6KA3):c.2095G>A (p.Val699Ile)

Gene: RPS6KA3 (ribosomal protein S6 kinase A3; minus strand). Cytogenetic location: Xp22.12.
Variant type: single nucleotide variant.
Coding change: c.2095G>A on transcript NM_004586.3 (MANE Select); coding-DNA position 2095, G replaced by A.
Protein change: p.Val699Ile; replaces valine 699 with isoleucine.
Molecular consequence: missense variant.
Genome position (GRCh38, 1-based): chrX:20,156,114, C>T on the plus strand (G>A on the coding strand, the complement: RPS6KA3 is on the minus strand). VCF-style: chrX-20156114-C-T. GRCh37 (hg19) VCF-style: chrX-20174232-C-T.
Other names: short protein forms V699I.
Identifiers: ClinVar variation 2949172 (VCV002949172.3), dbSNP rs2519572706, ClinGen allele CA412512250.
Genomic context (GRCh38, chrX:20,156,114, plus strand): 5'-TTGAAGTCTCTCCTGGAGGACCTGTGGAAAACAGTGACTGTATGGGGCTGCTCACCTTTA[C>T]TAGATGTGGTGCATCCTGTCTGTTTAGTTGGTATTGTGGCAGTTGGTCCCAGTGGACGAT-3'
Protein context (NP_004577.1, residues 689-709): QLNRQDAPHL[Val699Ile]KGAMAATYSA